The following is an entry in ClinVar:

ClinVar aggregate classification (germline): Benign/Likely benign. Review status: criteria provided, multiple submitters, no conflicts (2 of 4 stars). 3 submissions from 3 submitters: Benign (1); Likely benign (1). 1 of the submissions does not count toward it. Last evaluated 2025-12-21.

Conditions:
SNRNP200-related disorder. Also called: SNRNP200-related condition.

Allele frequency attached by ClinVar (database versions not stated): gnomAD 0.00001; TOPMed 0.00003; gnomAD exomes 0.00006 and 0.00012; ExAC 0.00008.

Submissions (3):

Labcorp Genetics (formerly Invitae), Labcorp
Classification: Benign. Last evaluated: 2025-12-21. Review status: criteria provided, single submitter. Criteria: Invitae Variant Classification Sherloc (09022015). Collection method: clinical testing. Allele origin: germline.

Blueprint Genetics
Classification: Likely benign. Last evaluated: 2022-06-13. Review status: criteria provided, single submitter. Criteria: ACMG Guidelines, 2015. Collection method: clinical testing. Allele origin: germline.

PreventionGenetics, part of Exact Sciences
Classification: Likely benign for SNRNP200-related condition. Last evaluated: 2024-09-12. Review status: no assertion criteria provided. Collection method: clinical testing. Allele origin: germline. Not counted in ClinVar's aggregate classification.
Comment: This variant is classified as likely benign based on ACMG/AMP sequence variant interpretation guidelines (Richards et al. 2015 PMID: 25741868, with internal and published modifications).

NM_014014.5(SNRNP200):c.2742+8dup

Gene: SNRNP200 (small nuclear ribonucleoprotein U5 subunit 200; minus strand). Cytogenetic location: 2q11.2.
Variant type: Duplication.
Coding change: c.2742+8dup on transcript NM_014014.5 (MANE Select); 8 bases into the intron after coding-DNA position 2742, one base duplicated (A; older notation c.2742+8dupA).
Molecular consequence: intron variant.
Genome position (GRCh38, 1-based): chr2:96,290,318, T duplicated on the plus strand (A on the coding strand, the reverse complement: SNRNP200 is on the minus strand). VCF-style (leftmost placement, unchanged base first): chr2-96290317-C-CT. GRCh37 (hg19) VCF-style: chr2-96956055-C-CT.
Other names: c.2742+8dupA (NM_014014.4).
Identifiers: ClinVar variation 1601250 (VCV001601250.10), dbSNP rs758931100, ClinGen allele CA1778641.
Genomic context (GRCh38, chr2:96,290,317, plus strand): 5'-ACCGACCCACTCCTGGTGCCTTGGTGTCTGCGGGGAAAGCATGAAGCACAACAAGCAGTC[C>CT]TCCCCTACCTTGGCATTCTGGACATTTCCTAGCACGATTTCTGCATTGAGCATGTCAGGA-3'